The following is an entry in ClinVar:

NM_024408.4(NOTCH2):c.4304G>A (p.Arg1435Gln)

Gene: NOTCH2 (notch receptor 2; minus strand). Cytogenetic location: 1p12.
Variant type: single nucleotide variant.
Coding change: c.4304G>A on transcript NM_024408.4 (MANE Select); coding-DNA position 4304, G replaced by A.
Protein change: p.Arg1435Gln; replaces arginine 1435 with glutamine.
Molecular consequence: missense variant.
Genome position (GRCh38, 1-based): chr1:119,925,512, C>T on the plus strand (G>A on the coding strand, the complement: NOTCH2 is on the minus strand). VCF-style: chr1-119925512-C-T. GRCh37 (hg19) VCF-style: chr1-120468135-C-T.
Other names: short protein forms R1435Q.
Identifiers: ClinVar variation 665564 (VCV000665564.11), dbSNP rs747190078, ClinGen allele CA1039874.
Genomic context (GRCh38, chr1:119,925,512, plus strand): 5'-CAGTCACCCCCATCCCACTGGCAGGCATGGCTGTTGCAGGCCTCATCACAGACGCCATCC[C>T]GAGCTTTGTCGGCACAATACTGGCTCAGACAGGTGGCAGGAGGGGTGCTGGGGGGTGCCG-3'
Protein context (NP_077719.2, residues 1425-1445): CLSQYCADKA[Arg1435Gln]DGVCDEACNS

ClinVar aggregate classification (germline): Conflicting classifications of pathogenicity. Review status: criteria provided, conflicting classifications (1 of 4 stars). 3 submissions from 3 submitters: Uncertain significance (2); Likely benign (1). Last evaluated 2024-09-30.

Conditions:
Hajdu-Cheney syndrome (HJCYS). Also called: SERPENTINE FIBULA-POLYCYSTIC KIDNEY SYNDROME; ACROOSTEOLYSIS WITH OSTEOPOROSIS AND CHANGES IN SKULL AND MANDIBLE; Acroosteolysis dominant type. Identifiers: Orphanet 955, MedGen C0917715, MONDO:0007057, OMIM 102500.
Alagille syndrome due to a NOTCH2 point mutation. Also called: Alagille syndrome 2. Identifiers: Orphanet 261629, Orphanet 52, MedGen C1857761, MONDO:0012439, OMIM 610205.

gnomAD v4.1: 15 of 1,614,140 alleles (0.00093%); highest among the groups gnomAD compares: South Asian, 0.011%; no homozygotes.

Submissions (3):

GeneDx
Classification: Uncertain significance. Last evaluated: 2024-09-30. Review status: criteria provided, single submitter. Criteria: GeneDx Variant Classification Process June 2021. Collection method: clinical testing. Allele origin: germline. Affected: yes.
Comment: In silico analysis indicates that this missense variant does not alter protein structure/function; Has not been previously published as pathogenic or benign to our knowledge

Fulgent Genetics
Classification: Uncertain significance for Hajdu-Cheney syndrome; Alagille syndrome due to a NOTCH2 point mutation. Last evaluated: 2024-06-03. Review status: criteria provided, single submitter. Criteria: ACMG Guidelines, 2015. Collection method: clinical testing. Allele origin: germline.

Labcorp Genetics (formerly Invitae), Labcorp
Classification: Likely benign for Hajdu-Cheney syndrome. Last evaluated: 2020-02-24. Review status: criteria provided, single submitter. Criteria: Invitae Variant Classification Sherloc (09022015). Collection method: clinical testing. Allele origin: germline.